The following is an entry in ClinVar:

NM_004415.4(DSP):c.6464A>G (p.Asp2155Gly)

Gene: DSP (desmoplakin; plus strand). Cytogenetic location: 6p24.3.
Variant type: single nucleotide variant.
Coding change: c.6464A>G on transcript NM_004415.4 (MANE Select); coding-DNA position 6464, A replaced by G.
Protein change: p.Asp2155Gly; replaces aspartic acid 2155 with glycine.
Molecular consequence: missense variant.
Genome position (GRCh38, 1-based): chr6:7,583,726, A>G. VCF-style: chr6-7583726-A-G. GRCh37 (hg19) VCF-style: chr6-7583959-A-G.
Other names: c.6464A>G (NM_004415.2); c.4667A>G, p.Asp1556Gly (NM_001008844.3); c.5135A>G, p.Asp1712Gly (NM_001319034.2); short protein forms D1556G, D1712G, D2155G.
Identifiers: ClinVar variation 1443008 (VCV001443008.12), dbSNP rs752740718, ClinGen allele CA047762.

ClinVar aggregate classification (germline): Conflicting classifications of pathogenicity. Review status: criteria provided, conflicting classifications (1 of 4 stars). 4 submissions from 4 submitters: Uncertain significance (3); Likely benign (1). Last evaluated 2024-07-03.

Conditions:
Arrhythmogenic cardiomyopathy with wooly hair and keratoderma. Also called: Carvajal syndrome; PALMOPLANTAR KERATODERMA WITH LEFT VENTRICULAR CARDIOMYOPATHY AND WOOLLY HAIR; Arrhythmogenic cardiomyopathy with woolly hair and keratoderma; Dilated cardiomyopathy with woolly hair and keratoderma. Identifiers: Orphanet 65282, MedGen C1854063, MONDO:0011581, OMIM 605676.
Arrhythmogenic right ventricular dysplasia 8 (ARVD8). Also called: Arrhythmogenic Right Ventricular Dysplasia/Cardiomyopathy 8; ARRHYTHMOGENIC RIGHT VENTRICULAR CARDIOMYOPATHY 8; ARRHYTHMOGENIC RIGHT VENTRICULAR DYSPLASIA, FAMILIAL, 8. Identifiers: MedGen C1843896, MONDO:0011831, OMIM 607450.
Cardiomyopathy (CMYO). Also called: Cardiomyopathies. Identifiers: Orphanet 167848, MedGen C0878544, MONDO:0004994, HP:0001638. Inheritance: Various modes of inheritance.

Allele frequency attached by ClinVar (database versions not stated): TOPMed below 0.00001; gnomAD 0.00001; gnomAD exomes 0.00001 and 0.00002; ExAC 0.00003.
gnomAD v4.1: 15 of 1,613,998 alleles (0.00093%); highest among the groups gnomAD compares: South Asian, 0.014%; no homozygotes.

Submissions (4):

GeneDx
Classification: Uncertain significance. Last evaluated: 2024-07-03. Review status: criteria provided, single submitter. Criteria: GeneDx Variant Classification Process June 2021. Collection method: clinical testing. Allele origin: germline. Affected: yes.
Comment: Not observed at significant frequency in large population cohorts (gnomAD); In silico analysis supports that this missense variant has a deleterious effect on protein structure/function; Has not been previously published as pathogenic or benign to our knowledge

Color Diagnostics, LLC DBA Color Health
Classification: Uncertain significance for Cardiomyopathy. Last evaluated: 2024-03-07. Review status: criteria provided, single submitter. Criteria: ACMG Guidelines, 2015. Collection method: clinical testing. Allele origin: germline.
Comment: This missense variant replaces aspartic acid with glycine at codon 2155 of the DSP protein. Computational prediction suggests that this variant may have deleterious impact on protein structure and function (internally defined REVEL score threshold >= 0.7, PMID: 27666373). To our knowledge, functional studies have not been reported for this variant. This variant has not been reported in individuals affected with cardiovascular disorders in the literature. This variant has been identified in 4/251374 chromosomes in the general population by the Genome Aggregation Database (gnomAD). The available evidence is insufficient to determine the role of this variant in disease conclusively. Therefore, this variant is classified as a Variant of Uncertain Significance.

Labcorp Genetics (formerly Invitae), Labcorp
Classification: Likely benign for Arrhythmogenic cardiomyopathy with wooly hair and keratoderma; Arrhythmogenic right ventricular dysplasia 8. Last evaluated: 2022-12-06. Review status: criteria provided, single submitter. Criteria: Invitae Variant Classification Sherloc (09022015). Collection method: clinical testing. Allele origin: germline.

Blueprint Genetics
Classification: Uncertain significance. Last evaluated: 2022-05-11. Review status: criteria provided, single submitter. Criteria: ACMG Guidelines, 2015. Collection method: clinical testing. Allele origin: germline.